The following is an entry in ClinVar:

NM_005763.4(AASS):c.472+2T>C

Gene: AASS (aminoadipate-semialdehyde synthase; minus strand). Cytogenetic location: 7q31.32.
Variant type: single nucleotide variant.
Coding change: c.472+2T>C on transcript NM_005763.4 (MANE Select); the canonical splice donor site of the intron after coding-DNA position 472, T replaced by C.
Molecular consequence: splice donor variant.
Genome position (GRCh38, 1-based): chr7:122,126,373, A>G on the plus strand (T>C on the coding strand, the complement: AASS is on the minus strand). VCF-style: chr7-122126373-A-G. GRCh37 (hg19) VCF-style: chr7-121766427-A-G.
Identifiers: ClinVar variation 4845762 (VCV004845762.1).

ClinVar aggregate classification (germline): Likely pathogenic (1 of 4 stars; one submission).

Conditions:
HYPERLYSINEMIA, TYPE I. Also called: LYSINE INTOLERANCE. Identifiers: MedGen C0543533, OMIM 238700.

Submission:

First Genomix Gene Laboratory, Genetic Diagnostics Department
Classification: Likely pathogenic for HYPERLYSINEMIA, TYPE I. Last evaluated: 2025-03-19. Review status: criteria provided, single submitter. Criteria: ACMG Guidelines, 2015. Collection method: clinical testing. Allele origin: germline. Inheritance: Autosomal recessive inheritance. Affected: no. Observed: 1 variant allele.